The following is an entry in ClinVar:

NM_001999.4(FBN2):c.2489C>T (p.Pro830Leu)

Gene: FBN2 (fibrillin 2; minus strand). Cytogenetic location: 5q23.3.
Variant type: single nucleotide variant.
Coding change: c.2489C>T on transcript NM_001999.4 (MANE Select); coding-DNA position 2489, C replaced by T.
Protein change: p.Pro830Leu; replaces proline 830 with leucine.
Molecular consequence: missense variant.
Genome position (GRCh38, 1-based): chr5:128,361,788, G>A on the plus strand (C>T on the coding strand, the complement: FBN2 is on the minus strand). VCF-style: chr5-128361788-G-A. GRCh37 (hg19) VCF-style: chr5-127697481-G-A.
Other names: c.2489C>T (NM_001999.3); short protein forms P830L.
Identifiers: ClinVar variation 1175168 (VCV001175168.9), dbSNP rs547769591, ClinGen allele CA3395530.
Genomic context (GRCh38, chr5:128,361,788, plus strand): 5'-CAGGTCTCTGTCTCAGTCCTGAACACATACCCTGGTGGGCACGTACAGCTGTAACTTCCT[G>A]GCGTGTTTCGGCACAATCCGTTATCACAAAGCAGTCTGTTTACTAAACATTCATCAATGT-3'
Protein context (NP_001990.2, residues 820-840): LCDNGLCRNT[Pro830Leu]GSYSCTCPPG

ClinVar aggregate classification (germline): Uncertain significance. Review status: criteria provided, multiple submitters, no conflicts (2 of 4 stars). 5 submissions from 5 submitters: Uncertain significance (3). 2 of the submissions do not count toward it. Last evaluated 2025-08-23.

Conditions:
Familial thoracic aortic aneurysm and aortic dissection (TAAD). Also called: Thoracic aortic aneurysms and dissections. Identifiers: Orphanet 91387, MedGen C4707243, MONDO:0019625.
Congenital contractural arachnodactyly (CCA). Also called: Arthrogryposis, distal, type 9; BEALS SYNDROME; Beals-Hecht syndrome. Identifiers: Orphanet 115, MedGen C0220668, MONDO:0007363, OMIM 121050.

Allele frequency attached by ClinVar (database versions not stated): gnomAD exomes below 0.00001 and 0.00001; ExAC 0.00001; gnomAD 0.00001.
gnomAD v4.1: 11 of 1,613,938 alleles (0.00068%); highest among the groups gnomAD compares: Non-Finnish European, 0.00093%; no homozygotes.

Submissions (5):

Labcorp Genetics (formerly Invitae), Labcorp
Classification: Uncertain significance for Congenital contractural arachnodactyly. Last evaluated: 2025-08-23. Review status: criteria provided, single submitter. Criteria: Invitae Variant Classification Sherloc (09022015). Collection method: clinical testing. Allele origin: germline.
Comment: This sequence change replaces proline, which is neutral and non-polar, with leucine, which is neutral and non-polar, at codon 830 of the FBN2 protein (p.Pro830Leu). This variant is present in population databases (rs547769591, gnomAD 0.0009%). This variant has not been reported in the literature in individuals affected with FBN2-related conditions. ClinVar contains an entry for this variant (Variation ID: 1175168). Invitae Evidence Modeling of protein sequence and biophysical properties (such as structural, functional, and spatial information, amino acid conservation, physicochemical variation, residue mobility, and thermodynamic stability) indicates that this missense variant is not expected to disrupt FBN2 protein function with a negative predictive value of 80%. In summary, the available evidence is currently insufficient to determine the role of this variant in disease. Therefore, it has been classified as a Variant of Uncertain Significance.

Ambry Genetics
Classification: Uncertain significance for Familial thoracic aortic aneurysm and aortic dissection. Last evaluated: 2024-07-29. Review status: criteria provided, single submitter. Criteria: Ambry Variant Classification Scheme 2023. Collection method: clinical testing. Allele origin: germline.
Comment: The p.P830L variant (also known as c.2489C>T), located in coding exon 19 of the FBN2 gene, results from a C to T substitution at nucleotide position 2489. The proline at codon 830 is replaced by leucine, an amino acid with similar properties. This amino acid position is highly conserved in available vertebrate species. In addition, this alteration is predicted to be deleterious by in silico analysis. Based on the available evidence, the clinical significance of this variant remains unclear.

ARUP Laboratories, Molecular Genetics and Genomics, ARUP Laboratories
Classification: Uncertain significance. Last evaluated: 2023-12-15. Review status: criteria provided, single submitter. Criteria: ARUP Molecular Germline Variant Investigation Process 2024. Collection method: clinical testing. Allele origin: germline.
Comment: The FBN2 c.2489C>T p.Pro830Leu variant (rs547769591), to our knowledge, is not reported in the medical literature but is reported in ClinVar (Variation ID: 1175168). This variant is only observed on one allele in the Genome Aggregation Database (v2.1.1), indicating it is not a common polymorphism. Computational analyses predict that this variant is deleterious (REVEL: 0.752). However, given the lack of clinical and functional data, the significance of this variant is uncertain at this time.

Diagnostic Laboratory, Department of Genetics, University Medical Center Groningen
Classification: Uncertain significance. Review status: no assertion criteria provided. Collection method: clinical testing. Allele origin: germline. Affected: yes. Study: VKGL Data-share Consensus. Not counted in ClinVar's aggregate classification.

Laboratory of Diagnostic Genome Analysis, Leiden University Medical Center (LUMC)
Classification: Uncertain significance. Review status: no assertion criteria provided. Collection method: clinical testing. Allele origin: germline. Affected: yes. Study: VKGL Data-share Consensus. Not counted in ClinVar's aggregate classification.